The following is an entry in ClinVar:

ClinVar aggregate classification (germline): Uncertain significance (1 of 4 stars; one submission).

Conditions:
Cardiovascular phenotype. Identifiers: MedGen CN230736.

Submission:

Ambry Genetics
Classification: Uncertain significance for Cardiovascular phenotype. Last evaluated: 2025-05-10. Review status: criteria provided, single submitter. Criteria: Ambry Variant Classification Scheme 2023. Collection method: clinical testing. Allele origin: germline.
Comment: The p.F2351L variant (also known as c.7051T>C), located in coding exon 24 of the DSP gene, results from a T to C substitution at nucleotide position 7051. The phenylalanine at codon 2351 is replaced by leucine, an amino acid with highly similar properties. This amino acid position is conserved. In addition, this alteration is predicted to be deleterious by in silico analysis. Based on the available evidence, the clinical significance of this variant remains unclear.

NM_004415.4(DSP):c.7051T>C (p.Phe2351Leu)

Gene: DSP (desmoplakin; plus strand). Cytogenetic location: 6p24.3.
Variant type: single nucleotide variant.
Coding change: c.7051T>C on transcript NM_004415.4 (MANE Select); coding-DNA position 7051, T replaced by C.
Protein change: p.Phe2351Leu; replaces phenylalanine 2351 with leucine.
Molecular consequence: missense variant.
Genome position (GRCh38, 1-based): chr6:7,584,313, T>C. VCF-style: chr6-7584313-T-C. GRCh37 (hg19) VCF-style: chr6-7584546-T-C.
Other names: c.5254T>C, p.Phe1752Leu (NM_001008844.3); c.5722T>C, p.Phe1908Leu (NM_001319034.2); short protein forms F2351L, F1752L, F1908L.
Identifiers: ClinVar variation 4015102 (VCV004015102.1).